The following is an entry in ClinVar:

NM_015895.5(GMNN):c.541_542del (p.Thr180_Val181insTer)

Gene: GMNN (geminin DNA replication inhibitor; plus strand). Cytogenetic location: 6p22.3.
Variant type: Deletion.
Coding change: c.541_542del on transcript NM_015895.5 (MANE Select); coding-DNA positions 541 to 542, 2 bases deleted (GT; older notation c.541_542delGT).
Protein change: p.Thr180_Val181insTer.
Molecular consequence: nonsense.
Genome position (GRCh38, 1-based): chr6:24,785,710-24,785,711, GT deleted; deleting any 2 consecutive bases within chr6:24,785,709-24,785,711 gives the same sequence; the c. name uses the placement nearest the transcript's 3' end. VCF-style (leftmost placement, unchanged base first): chr6-24785708-CTG-C. GRCh37 (hg19) VCF-style: chr6-24785936-CTG-C.
Other names: c.541_542del, p.Thr180_Val181insTer (NM_001251989.2, NM_001251990.2, NM_001251991.1).
Identifiers: ClinVar variation 3382999 (VCV003382999.2).

ClinVar aggregate classification (germline): Uncertain significance (1 of 4 stars; one submission).

Conditions:
Meier-Gorlin syndrome 6. Identifiers: Orphanet 2554, MedGen C4225188, MONDO:0014794, OMIM 616835. Disease mechanism: gain of function.

Submission:

Juno Genomics, Hangzhou Juno Genomics, Inc
Classification: Uncertain significance for Meier-Gorlin syndrome 6. Review status: criteria provided, single submitter. Criteria: ACMG Guidelines, 2015. Collection method: clinical testing. Allele origin: germline. Affected: yes.
Comment: Absent from controls (or at extremely low frequency if recessive) in Genome Aggregation Database, Exome Sequencing Project, 1000 Genomes Project, or Exome Aggregation Consortium.;Null variant in a gene where loss of function (LOF) is a known mechanism of disease.